The following is an entry in ClinVar:

NM_015338.6(ASXL1):c.2701A>G (p.Ile901Val)

Gene: ASXL1 (ASXL transcriptional regulator 1; plus strand). Cytogenetic location: 20q11.21.
Variant type: single nucleotide variant.
Coding change: c.2701A>G on transcript NM_015338.6 (MANE Select); coding-DNA position 2701, A replaced by G.
Protein change: p.Ile901Val; replaces isoleucine 901 with valine.
Molecular consequence: missense variant.
Genome position (GRCh38, 1-based): chr20:32,435,413, A>G. VCF-style: chr20-32435413-A-G. GRCh37 (hg19) VCF-style: chr20-31023216-A-G.
Other names: c.2518A>G, p.Ile840Val (NM_001363734.1); short protein forms I901V, I840V.
Identifiers: ClinVar variation 3954997 (VCV003954997.1).

ClinVar aggregate classification (germline): Uncertain significance (1 of 4 stars; one submission).

Conditions:
Inborn genetic diseases. Identifiers: MedGen C0950123, MeSH D030342.

Submission:

Ambry Genetics
Classification: Uncertain significance for Inborn genetic diseases. Last evaluated: 2025-03-19. Review status: criteria provided, single submitter. Criteria: Ambry Variant Classification Scheme 2023. Collection method: clinical testing. Allele origin: germline.
Comment: The p.I901V variant (also known as c.2701A>G), located in coding exon 13 of the ASXL1 gene, results from an A to G substitution at nucleotide position 2701. The isoleucine at codon 901 is replaced by valine, an amino acid with highly similar properties. This amino acid position is conserved. In addition, this alteration is predicted to be tolerated by in silico analysis. Based on the available evidence, the clinical significance of this variant remains unclear.